The following is an entry in ClinVar:

NM_198578.4(LRRK2):c.3708C>G (p.Asp1236Glu)

Gene: LRRK2 (leucine rich repeat kinase 2; plus strand). Cytogenetic location: 12q12.
Variant type: single nucleotide variant.
Coding change: c.3708C>G on transcript NM_198578.4 (MANE Select); coding-DNA position 3708, C replaced by G.
Protein change: p.Asp1236Glu; replaces aspartic acid 1236 with glutamic acid.
Molecular consequence: missense variant.
Genome position (GRCh38, 1-based): chr12:40,304,065, C>G. VCF-style: chr12-40304065-C-G. GRCh37 (hg19) VCF-style: chr12-40697867-C-G.
Other names: short protein forms D1236E.
Identifiers: ClinVar variation 2453028 (VCV002453028.2), dbSNP rs1349208796, ClinGen allele CA384416777.

ClinVar aggregate classification (germline): Uncertain significance (1 of 4 stars; one submission).

Conditions:
Inborn genetic diseases. Identifiers: MedGen C0950123, MeSH D030342.

Allele frequency attached by ClinVar (database versions not stated): gnomAD exomes below 0.00001.
gnomAD v4.1: 1 of 1,613,618 alleles (0.000062%); highest among the groups gnomAD compares: Non-Finnish European, 0.000085%; no homozygotes.

Submission:

Ambry Genetics
Classification: Uncertain significance for Inborn genetic diseases. Last evaluated: 2022-11-25. Review status: criteria provided, single submitter. Criteria: Ambry Variant Classification Scheme 2023. Collection method: clinical testing. Allele origin: germline.
Comment: The p.D1236E variant (also known as c.3708C>G), located in coding exon 27 of the LRRK2 gene, results from a C to G substitution at nucleotide position 3708. The aspartic acid at codon 1236 is replaced by glutamic acid, an amino acid with highly similar properties. This amino acid position is conserved. In addition, this alteration is predicted to be tolerated by in silico analysis. Since supporting evidence is limited at this time, the clinical significance of this alteration remains unclear.